The following is an entry in ClinVar:

NM_001282684.2(KCTD17):c.55G>A (p.Ala19Thr)

Genes: KCTD17 (potassium channel tetramerization domain containing 17; plus strand), LOC130067340 (ATAC-STARR-seq lymphoblastoid silent region 13677; plus strand). Cytogenetic location: 22q12.3.
Variant type: single nucleotide variant.
Coding change: c.55G>A on transcript NM_001282684.2 (MANE Select); coding-DNA position 55, G replaced by A.
Protein change: p.Ala19Thr; replaces alanine 19 with threonine.
Molecular consequence: missense variant.
Genome position (GRCh38, 1-based): chr22:37,051,815, G>A. VCF-style: chr22-37051815-G-A. GRCh37 (hg19) VCF-style: chr22-37447855-G-A.
Other names: c.76G>A (NM_024681.3); c.55G>A, p.Ala19Thr (NM_001282685.2, NM_001282686.2, NM_024681.4); short protein forms A26T, A19T.
Identifiers: ClinVar variation 1168447 (VCV001168447.15), dbSNP rs113687833, ClinGen allele CA10214932.

ClinVar aggregate classification (germline): Benign. Review status: criteria provided, multiple submitters, no conflicts (2 of 4 stars). 4 submissions from 4 submitters: Benign (3). 1 of the submissions does not count toward it. Last evaluated 2026-02-03.

Conditions:
Myoclonic dystonia 26. Identifiers: MedGen C4225341, MONDO:0014620, OMIM 616398.
KCTD17-related disorder. Also called: KCTD17-related condition.

Allele frequency attached by ClinVar (database versions not stated): 1000 Genomes Project 30x 0.08745; 1000 Genomes Project 0.08746; gnomAD exomes 0.10753; TOPMed 0.10858; gnomAD 0.11598 and 0.11849; ExAC 0.20479.

Submissions (4):

Labcorp Genetics (formerly Invitae), Labcorp
Classification: Benign for Myoclonic dystonia 26. Last evaluated: 2026-02-03. Review status: criteria provided, single submitter. Criteria: Invitae Variant Classification Sherloc (09022015). Collection method: clinical testing. Allele origin: germline.

GeneDx
Classification: Benign. Last evaluated: 2021-03-15. Review status: criteria provided, single submitter. Criteria: GeneDx Variant Classification Process June 2021. Collection method: clinical testing. Allele origin: germline. Affected: yes.

Breakthrough Genomics
Classification: Benign. Review status: criteria provided, single submitter. Criteria: ACMG Guidelines, 2015. Collection method: not provided. Allele origin: germline. Inheritance: Autosomal dominant inheritance. Affected: yes.

PreventionGenetics, part of Exact Sciences
Classification: Benign for KCTD17-related condition. Last evaluated: 2019-09-19. Review status: no assertion criteria provided. Collection method: clinical testing. Allele origin: germline. Not counted in ClinVar's aggregate classification.
Comment: This variant is classified as benign based on ACMG/AMP sequence variant interpretation guidelines (Richards et al. 2015 PMID: 25741868, with internal and published modifications).